The following is an entry in ClinVar:

NM_017950.4(CCDC40):c.3340G>A (p.Val1114Met)

Gene: CCDC40 (coiled-coil domain 40 molecular ruler complex subunit; plus strand). Cytogenetic location: 17q25.3.
Variant type: single nucleotide variant.
Coding change: c.3340G>A on transcript NM_017950.4 (MANE Select); coding-DNA position 3340, G replaced by A.
Protein change: p.Val1114Met; replaces valine 1114 with methionine.
Molecular consequence: missense variant.
Genome position (GRCh38, 1-based): chr17:80,099,686, G>A. VCF-style: chr17-80099686-G-A. GRCh37 (hg19) VCF-style: chr17-78073485-G-A.
Other names: short protein forms V1114M.
Identifiers: ClinVar variation 95880 (VCV000095880.29), dbSNP rs61740509, ClinGen allele CA223514.
Genomic context (GRCh38, chr17:80,099,686, plus strand): 5'-GTGCTGGAGCGCCAGCGCCTGGACAAGCGACTGGCTCTCATCGCCACCATCCTGGACCGC[G>A]TGCGGGACGAGTACCCCCAGTTCCAGGAGGCCCTGCACAAGGTCAGCCAGATGATCGCCA-3'
Protein context (NP_060420.2, residues 1104-1124): LALIATILDR[Val1114Met]RDEYPQFQEA

ClinVar aggregate classification (germline): Benign/Likely benign. Review status: criteria provided, multiple submitters, no conflicts (2 of 4 stars). 10 submissions from 10 submitters: Benign (8); Likely benign (2). Last evaluated 2026-02-01.

Conditions:
Primary ciliary dyskinesia. Also called: Ciliary dyskinesia. Identifiers: Orphanet 244, MedGen C0008780, MONDO:0016575, HP:0012265.
Primary ciliary dyskinesia 15. Also called: CILIARY DYSKINESIA, PRIMARY, 15, WITH OR WITHOUT SITUS INVERSUS. Identifiers: Orphanet 244, MedGen C3151137, MONDO:0013435, OMIM 613808.

Allele frequency attached by ClinVar (database versions not stated): ExAC 0.01194; gnomAD 0.00839 and 0.00831; 1000 Genomes Project 0.01338; gnomAD exomes 0.01483 and 0.00575; ESP Exome Variant Server 0.00200; 1000 Genomes Project 30x 0.01577; TOPMed 0.01123.
gnomAD v4.1: 9,670 of 1,613,850 alleles (0.6%); highest among the groups gnomAD compares: Admixed American, 7.3%; 218 homozygotes.

Submissions (10):

Labcorp Genetics (formerly Invitae), Labcorp
Classification: Benign for Primary ciliary dyskinesia. Last evaluated: 2026-02-01. Review status: criteria provided, single submitter. Criteria: Invitae Variant Classification Sherloc (09022015). Collection method: clinical testing. Allele origin: germline.

Blueprint Genetics
Classification: Likely benign. Last evaluated: 2024-11-26. Review status: criteria provided, single submitter. Criteria: ACMG Guidelines, 2015. Collection method: clinical testing. Allele origin: germline.

Mayo Clinic Laboratories, Mayo Clinic
Classification: Benign. Last evaluated: 2023-02-02. Review status: criteria provided, single submitter. Criteria: ACMG Guidelines, 2015. Collection method: clinical testing. Allele origin: germline. Observed: 3 variant alleles.

GeneDx
Classification: Benign. Last evaluated: 2018-07-14. Review status: criteria provided, single submitter. Criteria: GeneDx Variant Classification Process June 2021. Collection method: clinical testing. Allele origin: germline. Affected: yes.

Illumina Laboratory Services, Illumina
Classification: Benign for Primary ciliary dyskinesia 15. Last evaluated: 2018-01-13. Review status: criteria provided, single submitter. Criteria: ICSL Variant Classification Criteria 13 December 2019. Collection method: clinical testing. Allele origin: germline.
Comment: This variant was observed in the ICSL laboratory as part of a predisposition screen in an ostensibly healthy population. It had not been previously curated by ICSL or reported in the Human Gene Mutation Database (HGMD: prior to June 1st, 2018), and was therefore a candidate for classification through an automated scoring system. Utilizing variant allele frequency, disease prevalence and penetrance estimates, and inheritance mode, an automated score was calculated to assess if this variant is too frequent to cause the disease. Based on the score and internal cut-off values, a variant classified as benign is not then subjected to further curation. The score for this variant resulted in a classification of benign for this disease.

Ambry Genetics
Classification: Benign for Primary ciliary dyskinesia. Last evaluated: 2016-08-23. Review status: criteria provided, single submitter. Criteria: Ambry Variant Classification Scheme 2023. Collection method: clinical testing. Allele origin: germline.

Eurofins Ntd Llc (ga)
Classification: Benign. Last evaluated: 2015-07-01. Review status: criteria provided, single submitter. Criteria: EGL Classification Definitions 2015. Collection method: clinical testing. Allele origin: germline. Observed: 1 variant allele, 1 heterozygote.

Laboratory for Molecular Medicine, Mass General Brigham Personalized Medicine
Classification: Benign. Last evaluated: 2013-02-21. Review status: criteria provided, single submitter. Criteria: LMM Criteria. Collection method: clinical testing. Allele origin: germline. Observed: 2 variant alleles.
Comment: Val1114Met in exon 20 of CCDC40: This variant is not expected to have clinical s ignificance because it has been identified in 10.8% (13/120) of Colombian chromo somes from a broad population by the 1000 Genomes Project (dbSNP rs61740509).

Breakthrough Genomics
Classification: Likely benign. Review status: criteria provided, single submitter. Criteria: ACMG Guidelines, 2015. Collection method: not provided. Allele origin: germline. Inheritance: Autosomal recessive inheritance. Affected: yes.

PreventionGenetics, part of Exact Sciences
Classification: Benign. Review status: criteria provided, single submitter. Criteria: ACMG Guidelines, 2015. Collection method: clinical testing. Allele origin: germline.